The following is an entry in ClinVar:

ClinVar aggregate classification (germline): Uncertain significance (1 of 4 stars; one submission).

Conditions:
Hereditary cancer-predisposing syndrome. Also called: Neoplastic Syndromes, Hereditary; Tumor predisposition; Hereditary neoplastic syndrome; Hereditary Cancer Syndrome. Identifiers: Orphanet 140162, MedGen C0027672, MeSH D009386, MONDO:0015356.

Submission:

Ambry Genetics
Classification: Uncertain significance for Hereditary cancer-predisposing syndrome. Last evaluated: 2026-08-11. Review status: criteria provided, single submitter. Criteria: Ambry Variant Classification Scheme 2023. Collection method: clinical testing. Allele origin: germline.
Comment: The p.T1114I variant (also known as c.3341C>T), located in coding exon 21 of the RAD50 gene, results from a C to T substitution at nucleotide position 3341. The threonine at codon 1114 is replaced by isoleucine, an amino acid with similar properties. This amino acid position is conserved. In addition, this alteration is predicted to be deleterious by in silico analysis. Based on the available evidence, the clinical significance of this variant remains unclear.

NM_005732.4(RAD50):c.3341C>T (p.Thr1114Ile)

Gene: RAD50 (RAD50 double strand break repair protein; plus strand). Cytogenetic location: 5q31.1.
Variant type: single nucleotide variant.
Coding change: c.3341C>T on transcript NM_005732.4 (MANE Select); coding-DNA position 3341, C replaced by T.
Protein change: p.Thr1114Ile; replaces threonine 1114 with isoleucine.
Molecular consequence: missense variant.
Genome position (GRCh38, 1-based): chr5:132,618,246, C>T. VCF-style: chr5-132618246-C-T. GRCh37 (hg19) VCF-style: chr5-131953938-C-T.
Other names: short protein forms T1114I.
Identifiers: ClinVar variation 5027729 (VCV005027729.1).